The following is an entry in ClinVar:

ClinVar aggregate classification (germline): Benign (1 of 4 stars; one submission).

gnomAD v4.1: 958 of 160,736 alleles (0.6%); highest among the groups gnomAD compares: East Asian, 1%; 6 homozygotes.

Submission:

Dasa
Classification: Benign. Last evaluated: 2025-12-08. Review status: criteria provided, single submitter. Criteria: DASA Assertion Criteria. Collection method: clinical testing. Allele origin: germline.
Comment: NM_000051.4(ATM):c.-31+61A>G is an intronic variant. Population frequency is inconsistent with a disease-causing role for this variant. Therefore, based on the currently available evidence, this variant is classified as benign.

NM_000051.4(ATM):c.-31+61A>G

Gene: ATM (ATM serine/threonine kinase; plus strand). Cytogenetic location: 11q22.3.
Variant type: single nucleotide variant.
Coding change: c.-31+61A>G on transcript NM_000051.4 (MANE Select); 61 bases into the intron after 31 bases upstream of the start codon, A replaced by G.
Molecular consequence: intron variant.
Genome position (GRCh38, 1-based): chr11:108,223,247, A>G. VCF-style: chr11-108223247-A-G. GRCh37 (hg19) VCF-style: chr11-108093974-A-G.
Other names: c.-119+61A>G (NM_001351834.2); c.-31+61A>G (NM_001351835.2).
Identifiers: ClinVar variation 4856943 (VCV004856943.2).